The following is an entry in ClinVar:

NM_001278512.2(AP3B2):c.877C>T (p.Arg293Ter)

Genes: AP3B2 (adaptor related protein complex 3 subunit beta 2; minus strand), CPEB1-AS1 (CPEB1 antisense RNA 1; plus strand). Cytogenetic location: 15q25.2.
Variant type: single nucleotide variant.
Coding change: c.877C>T on transcript NM_001278512.2 (MANE Select); coding-DNA position 877, C replaced by T.
Protein change: p.Arg293Ter; replaces arginine 293 with a stop codon.
Molecular consequence: nonsense.
Genome position (GRCh38, 1-based): chr15:82,680,650, G>A on the plus strand (C>T on the coding strand, the complement: AP3B2 is on the minus strand). VCF-style: chr15-82680650-G-A. GRCh37 (hg19) VCF-style: chr15-83349402-G-A.
Other names: c.781C>T, p.Arg261Ter (NM_001278511.2); c.877C>T, p.Arg293Ter (NM_004644.5); short protein forms R261*, R293*.
Identifiers: ClinVar variation 2839026 (VCV002839026.3), dbSNP rs2151440929, ClinGen allele CA393295124.

ClinVar aggregate classification (germline): Pathogenic (1 of 4 stars; one submission).

Submission:

Labcorp Genetics (formerly Invitae), Labcorp
Classification: Pathogenic. Last evaluated: 2023-12-12. Review status: criteria provided, single submitter. Criteria: Invitae Variant Classification Sherloc (09022015). Collection method: clinical testing. Allele origin: germline.
Comment: This sequence change creates a premature translational stop signal (p.Arg293*) in the AP3B2 gene. It is expected to result in an absent or disrupted protein product. Loss-of-function variants in AP3B2 are known to be pathogenic (PMID: 27889060). This variant is not present in population databases (gnomAD no frequency). This variant has not been reported in the literature in individuals affected with AP3B2-related conditions. For these reasons, this variant has been classified as Pathogenic.

Literature cited by the submitters: PubMed 27889060.